The following is an entry in ClinVar:

NM_000965.5(RARB):c.1151-1G>C

Gene: RARB (retinoic acid receptor beta; plus strand). Cytogenetic location: 3p24.2.
Variant type: single nucleotide variant.
Coding change: c.1151-1G>C on transcript NM_000965.5 (MANE Select); the canonical splice acceptor site of the intron before coding-DNA position 1151, G replaced by C.
Molecular consequence: splice acceptor variant.
Genome position (GRCh38, 1-based): chr3:25,596,419, G>C. VCF-style: chr3-25596419-G-C. GRCh37 (hg19) VCF-style: chr3-25637910-G-C.
Other names: c.1172-1G>C (NM_001290216.3); c.1022-1G>C (NM_001290300.2); c.815-1G>C (NM_001290276.2, NM_016152.4, NM_001290217.2); c.1013-1G>C (NM_001290277.1); c.1004-1G>C (NM_001290266.2).
Identifiers: ClinVar variation 1710328 (VCV001710328.1), dbSNP rs2529826095, ClinGen allele CA351889051.

ClinVar aggregate classification (germline): Pathogenic (1 of 4 stars; one submission).

Conditions:
Congenital ocular coloboma. Also called: COLOBOMA OF IRIS, CHOROID, AND RETINA; COLOBOMA, UVEORETINAL; Coloboma of eye; Coloboma. Identifiers: Orphanet 194, MedGen C0009363, MONDO:0001476, HP:0000589.

Submission:

Genetics Department, University Hospital of Toulouse
Classification: Pathogenic for Congenital ocular coloboma. Last evaluated: 2022-10-15. Review status: criteria provided, single submitter. Criteria: ACMG Guidelines, 2015. Collection method: clinical testing. Allele origin: germline. Affected: yes.
Comment: P (PSVS1, PS2, PM2)